The following is an entry in ClinVar:

NM_182493.3(MYLK3):c.1805C>T (p.Thr602Ile)

Gene: MYLK3 (myosin light chain kinase 3; minus strand). Cytogenetic location: 16q11.2.
Variant type: single nucleotide variant.
Coding change: c.1805C>T on transcript NM_182493.3 (MANE Select); coding-DNA position 1805, C replaced by T.
Protein change: p.Thr602Ile; replaces threonine 602 with isoleucine.
Molecular consequence: missense variant.
Genome position (GRCh38, 1-based): chr16:46,727,345, G>A on the plus strand (C>T on the coding strand, the complement: MYLK3 is on the minus strand). VCF-style: chr16-46727345-G-A. GRCh37 (hg19) VCF-style: chr16-46761257-G-A.
Other names: c.782C>T, p.Thr261Ile (NM_001308301.1); short protein forms T602I, T261I.
Identifiers: ClinVar variation 1430752 (VCV001430752.6), dbSNP rs767500788, ClinGen allele CA8037839.
Genomic context (GRCh38, chr16:46,727,345, plus strand): 5'-TCACAGATCTGCCTGGTGAACAGGACCACATCCAGCTCAGTCAGGTGGTACTTCTCATCT[G>A]TGATCCGGTCGAAGAGCTCACCCCCGTCCACGCTGCCAGAGCAAAGGGAGAGGCAGGCAC-3'
Protein context (NP_872299.2, residues 592-612): VDGGELFDRI[Thr602Ile]DEKYHLTELD

ClinVar aggregate classification (germline): Uncertain significance (1 of 4 stars; one submission).

Allele frequency attached by ClinVar (database versions not stated): gnomAD 0.00001; gnomAD exomes 0.00001 and 0.00002; TOPMed 0.00003; ExAC 0.00001.
gnomAD v4.1: 10 of 1,613,308 alleles (0.00062%); highest among the groups gnomAD compares: African/African-American, 0.0093%; no homozygotes.

Submission:

Labcorp Genetics (formerly Invitae), Labcorp
Classification: Uncertain significance. Last evaluated: 2025-10-21. Review status: criteria provided, single submitter. Criteria: Invitae Variant Classification Sherloc (09022015). Collection method: clinical testing. Allele origin: germline.
Comment: This sequence change replaces threonine, which is neutral and polar, with isoleucine, which is neutral and non-polar, at codon 602 of the MYLK3 protein (p.Thr602Ile). This variant is present in population databases (rs767500788, gnomAD 0.03%). This variant has not been reported in the literature in individuals affected with MYLK3-related conditions. ClinVar contains an entry for this variant (Variation ID: 1430752). An algorithm developed to predict the effect of missense changes on protein structure and function (PolyPhen-2) suggests that this variant is likely to be disruptive. In summary, the available evidence is currently insufficient to determine the role of this variant in disease. Therefore, it has been classified as a Variant of Uncertain Significance.